The following is an entry in ClinVar:

ClinVar aggregate classification (germline): Likely benign. Review status: criteria provided, single submitter (1 of 4 stars). 2 submissions from 2 submitters: Likely benign (1). 1 of the submissions does not count toward it. Last evaluated 2026-01-18.

Conditions:
Jeune thoracic dystrophy. Also called: Jeune syndrome; Infantile thoracic dystrophy; Thoracic pelvic phalangeal dystrophy; Jeune's syndrome; Chondroectodermal dysplasia-like syndrome; Short-rib thoracic dysplasia. Identifiers: Orphanet 474, MedGen C0265275, MONDO:0018770.
IFT80-related disorder. Also called: IFT80-related condition.

Allele frequency attached by ClinVar (database versions not stated): gnomAD exomes 0.00005; ExAC 0.00006; ESP Exome Variant Server 0.00008; gnomAD 0.00016; TOPMed 0.00019.
gnomAD v4.1: 49 of 1,613,480 alleles (0.003%); highest among the groups gnomAD compares: African/African-American, 0.056%; no homozygotes.

Submissions (2):

Labcorp Genetics (formerly Invitae), Labcorp
Classification: Likely benign for Jeune thoracic dystrophy. Last evaluated: 2026-01-18. Review status: criteria provided, single submitter. Criteria: Invitae Variant Classification Sherloc (09022015). Collection method: clinical testing. Allele origin: germline.

PreventionGenetics, part of Exact Sciences
Classification: Likely benign for IFT80-related condition. Last evaluated: 2019-06-13. Review status: no assertion criteria provided. Collection method: clinical testing. Allele origin: germline. Not counted in ClinVar's aggregate classification.
Comment: This variant is classified as likely benign based on ACMG/AMP sequence variant interpretation guidelines (Richards et al. 2015 PMID: 25741868, with internal and published modifications).

NM_020800.3(IFT80):c.2049C>T (p.Gly683=)

Genes: TRIM59-IFT80 (TRIM59-IFT80 readthrough (NMD candidate); minus strand), IFT80 (intraflagellar transport 80; minus strand). Cytogenetic location: 3q25.33.
Variant type: single nucleotide variant.
Coding change: c.2049C>T on transcript NM_020800.3 (MANE Select); coding-DNA position 2049, C replaced by T.
Protein change: p.Gly683=; no amino-acid change (glycine 683 retained).
Molecular consequence: synonymous variant. On other transcripts: non-coding transcript variant (3).
Genome position (GRCh38, 1-based): chr3:160,277,356, G>A on the plus strand (C>T on the coding strand, the complement: IFT80 is on the minus strand). VCF-style: chr3-160277356-G-A. GRCh37 (hg19) VCF-style: chr3-159995144-G-A.
Other names: c.1638C>T, p.Gly546= (NM_001190241.2, NM_001190242.2); c.2049C>T (NM_020800.2).
Identifiers: ClinVar variation 1145673 (VCV001145673.11), dbSNP rs367915575, ClinGen allele CA2684984.
Genomic context (GRCh38, chr3:160,277,356, plus strand): 5'-TTCTTATTACCTTTCCCAGTTGTAGAGATTAATATTGATCTGGATTGCTTGATAAACAAG[G>A]CCAGCCTGAAGAAGTACTATTTCAGCCTCCTGTATGTTCCCACTAAACAGTAGTATGTGG-3'
Protein context (NP_065851.1, residues 673-693): QEAEIVLLQA[Gly683=]LVYQAIQINI